The following is an entry in ClinVar:

NM_001042492.3(NF1):c.7000G>A (p.Gly2334Ser)

Gene: NF1 (neurofibromin 1; plus strand). Cytogenetic location: 17q11.2.
Variant type: single nucleotide variant.
Coding change: c.7000G>A on transcript NM_001042492.3 (MANE Select); coding-DNA position 7000, G replaced by A.
Protein change: p.Gly2334Ser; replaces glycine 2334 with serine.
Molecular consequence: missense variant.
Genome position (GRCh38, 1-based): chr17:31,340,583, G>A. VCF-style: chr17-31340583-G-A. GRCh37 (hg19) VCF-style: chr17-29667601-G-A.
Other names: c.6937G>A, p.Gly2313Ser (NM_000267.4); short protein forms G2313S, G2334S.
Identifiers: ClinVar variation 826712 (VCV000826712.11), dbSNP rs1597848100, ClinGen allele CA399015009.
Genomic context (GRCh38, chr17:31,340,583, plus strand): 5'-GCCCTCTTTTGGGTAGCTGTGGCTGTGCTGCAGCTTGATGAGGTCAACTTGTATTCAGCA[G>A]GTACCGCACTTCTTGAACAAAACCTGCATACTTTAGATAGTCTCCGTATATTCAATGACA-3'
Protein context (NP_001035957.1, residues 2324-2344): QLDEVNLYSA[Gly2334Ser]TALLEQNLHT

ClinVar aggregate classification (germline): Uncertain significance. Review status: criteria provided, multiple submitters, no conflicts (2 of 4 stars). 3 submissions from 3 submitters: Uncertain significance (3). Last evaluated 2026-01-27.

Conditions:
Neurofibromatosis, type 1 (NF1). Also called: Neurofibromatosis, type I; Peripheral type neurofibromatosis; VON RECKLINGHAUSEN DISEASE; NEUROFIBROMATOSIS, TYPE I, SOMATIC. Identifiers: Orphanet 636, MedGen C0027831, MONDO:0018975, OMIM 162200. Disease mechanism: loss of function.
Hereditary cancer-predisposing syndrome. Also called: Neoplastic Syndromes, Hereditary; Hereditary Cancer Syndrome; Hereditary neoplastic syndrome; Tumor predisposition. Identifiers: Orphanet 140162, MedGen C0027672, MeSH D009386, MONDO:0015356.
Cardiovascular phenotype. Identifiers: MedGen CN230736.

Submissions (3):

GeneDx
Classification: Uncertain significance. Last evaluated: 2026-01-27. Review status: criteria provided, single submitter. Criteria: GeneDx Variant Classification Process June 2021. Collection method: clinical testing. Allele origin: germline. Affected: yes.
Comment: Not observed at significant frequency in large population cohorts (gnomAD); In silico analysis supports that this missense variant has a deleterious effect on protein structure/function; Has not been previously published as pathogenic or benign to our knowledge

Labcorp Genetics (formerly Invitae), Labcorp
Classification: Uncertain significance for Neurofibromatosis, type 1. Last evaluated: 2024-10-03. Review status: criteria provided, single submitter. Criteria: Invitae Variant Classification Sherloc (09022015). Collection method: clinical testing. Allele origin: germline.
Comment: This sequence change replaces glycine, which is neutral and non-polar, with serine, which is neutral and polar, at codon 2313 of the NF1 protein (p.Gly2313Ser). This variant is not present in population databases (gnomAD no frequency). This variant has not been reported in the literature in individuals affected with NF1-related conditions. ClinVar contains an entry for this variant (Variation ID: 826712). Invitae Evidence Modeling of protein sequence and biophysical properties (such as structural, functional, and spatial information, amino acid conservation, physicochemical variation, residue mobility, and thermodynamic stability) has been performed for this missense variant. However, the output from this modeling did not meet the statistical confidence thresholds required to predict the impact of this variant on NF1 protein function. This variant disrupts the p.Gly2313 amino acid residue in NF1. Other variant(s) that disrupt this residue have been determined to be pathogenic (PMID: 21520333, 26740943; internal data). This suggests that this residue is clinically significant, and that variants that disrupt this residue are likely to be disease-causing. In summary, the available evidence is currently insufficient to determine the role of this variant in disease. Therefore, it has been classified as a Variant of Uncertain Significance.

Ambry Genetics
Classification: Uncertain significance for Cardiovascular phenotype; Hereditary cancer-predisposing syndrome. Last evaluated: 2024-07-24. Review status: criteria provided, single submitter. Criteria: Ambry Variant Classification Scheme 2023. Collection method: clinical testing. Allele origin: germline.
Comment: The p.G2313S variant (also known as c.6937G>A), located in coding exon 46 of the NF1 gene, results from a G to A substitution at nucleotide position 6937. The glycine at codon 2313 is replaced by serine, an amino acid with similar properties. This amino acid position is highly conserved in available vertebrate species. In addition, this alteration is predicted to be deleterious by in silico analysis. Based on the available evidence, the clinical significance of this variant remains unclear.

Literature cited by the submitters: PubMed 21520333 (cited by Labcorp Genetics (formerly Invitae), Labcorp); PubMed 26740943 (cited by Labcorp Genetics (formerly Invitae), Labcorp).